The following is an entry in ClinVar:

NM_000188.3(HK1):c.86T>C (p.Met29Thr)

Gene: HK1 (hexokinase 1; plus strand). Cytogenetic location: 10q22.1.
Variant type: single nucleotide variant.
Coding change: c.86T>C on transcript NM_000188.3 (MANE Select); coding-DNA position 86, T replaced by C.
Protein change: p.Met29Thr; replaces methionine 29 with threonine.
Molecular consequence: missense variant. On other transcripts: initiator codon variant (1).
Genome position (GRCh38, 1-based): chr10:69,343,849, T>C. VCF-style: chr10-69343849-T-C. GRCh37 (hg19) VCF-style: chr10-71103605-T-C.
Other names: c.98T>C, p.Met33Thr (NM_001322364.2, NM_001358263.1, NM_033497.3 and 1 more transcripts); c.191T>C, p.Met64Thr (NM_001322365.2); c.2T>C, p.Met1Thr (NM_001322366.1); c.86T>C, p.Met29Thr (NM_001322367.1); c.83T>C, p.Met28Thr (NM_033496.3); c.50T>C, p.Met17Thr (NM_033500.2); short protein forms M17T, M29T, M28T, M1T, M33T, M64T.
Identifiers: ClinVar variation 618163 (VCV000618163.15), dbSNP rs1014528063, ClinGen allele CA209225688.
Genomic context (GRCh38, chr10:69,343,849, plus strand): 5'-CCTCGACCTCACTCTCCTTCCTTCTCATCCCCCTCCAGATTGACAAGTATCTCTATGCCA[T>C]GCGGCTCTCCGATGAAACTCTCATAGATATCATGACTCGCTTCAGGAAGGAGATGAAGAA-3'
Protein context (NP_000179.2, residues 19-39): VKKIDKYLYA[Met29Thr]RLSDETLIDI

ClinVar aggregate classification (germline): Uncertain significance. Review status: criteria provided, multiple submitters, no conflicts (2 of 4 stars). 3 submissions from 3 submitters: Uncertain significance (3). Last evaluated 2025-09-30.

Allele frequency attached by ClinVar (database versions not stated): gnomAD exomes 0.00002; TOPMed 0.00002.
gnomAD v4.1: 30 of 1,613,788 alleles (0.0019%); highest among the groups gnomAD compares: Non-Finnish European, 0.0025%; no homozygotes.

Submissions (3):

Labcorp Genetics (formerly Invitae), Labcorp
Classification: Uncertain significance. Last evaluated: 2025-09-30. Review status: criteria provided, single submitter. Criteria: Invitae Variant Classification Sherloc (09022015). Collection method: clinical testing. Allele origin: germline.
Comment: This sequence change replaces methionine, which is neutral and non-polar, with threonine, which is neutral and polar, at codon 29 of the HK1 protein (p.Met29Thr). This variant is not present in population databases (gnomAD no frequency). This variant has not been reported in the literature in individuals affected with HK1-related conditions. ClinVar contains an entry for this variant (Variation ID: 618163). Invitae Evidence Modeling of protein sequence and biophysical properties (such as structural, functional, and spatial information, amino acid conservation, physicochemical variation, residue mobility, and thermodynamic stability) indicates that this missense variant is not expected to disrupt HK1 protein function with a negative predictive value of 80%. In summary, the available evidence is currently insufficient to determine the role of this variant in disease. Therefore, it has been classified as a Variant of Uncertain Significance.

Blueprint Genetics
Classification: Uncertain significance. Last evaluated: 2023-01-18. Review status: criteria provided, single submitter. Criteria: ACMG Guidelines, 2015. Collection method: clinical testing. Allele origin: germline.

ARUP Laboratories, Molecular Genetics and Genomics, ARUP Laboratories
Classification: Uncertain significance. Last evaluated: 2018-05-21. Review status: criteria provided, single submitter. Criteria: ARUP Molecular Germline Variant Investigation Process. Collection method: clinical testing. Allele origin: germline.
Comment: The HK1 c.86T>C; p.Met29Thr variant (rs1014528063), to our knowledge, is not reported in the medical literature, gene specific variation databases, nor has it been previously identified by our laboratory. This variant is absent from the general population databases (1000 Genomes Project, Exome Variant Server, Genome Aggregation Database), indicating it is not a common polymorphism. The methionine at position 29 is moderately conserved, considering 13 species, and computational analyses of the effects of the p.Met29Thr variant on protein structure and function predict a deleterious effect (SIFT: damaging, PolyPhen-2: probably damaging). Based on the available information, the clinical significance of the p.Met29Thr variant cannot be determined with certainty.